The following is an entry in ClinVar:

ClinVar aggregate classification (germline): Uncertain significance (1 of 4 stars; one submission).

Allele frequency attached by ClinVar (database versions not stated): gnomAD exomes 0.00002 and 0.00003; ExAC 0.00003.
gnomAD v4.1: 45 of 1,610,164 alleles (0.0028%); highest among the groups gnomAD compares: Non-Finnish European, 0.0037%; no homozygotes.

Submission:

GeneDx
Classification: Uncertain significance. Last evaluated: 2019-04-17. Review status: criteria provided, single submitter. Criteria: GeneDx Variant Classification Process June 2021. Collection method: clinical testing. Allele origin: germline. Affected: yes.
Comment: Not observed at a significant frequency in large population cohorts (Lek et al., 2016); In silico analysis, which includes protein predictors and evolutionary conservation, supports that this variant does not alter protein structure/function; Has not been previously published as pathogenic or benign to our knowledge

NM_012463.4(ATP6V0A2):c.2558A>G (p.Asp853Gly)

Gene: ATP6V0A2 (ATPase H+ transporting V0 subunit a2; plus strand). Cytogenetic location: 12q24.31.
Variant type: single nucleotide variant.
Coding change: c.2558A>G on transcript NM_012463.4 (MANE Select); coding-DNA position 2558, A replaced by G.
Protein change: p.Asp853Gly; replaces aspartic acid 853 with glycine.
Molecular consequence: missense variant.
Genome position (GRCh38, 1-based): chr12:123,758,019, A>G. VCF-style: chr12-123758019-A-G. GRCh37 (hg19) VCF-style: chr12-124242566-A-G.
Other names: short protein forms D853G.
Identifiers: ClinVar variation 1302664 (VCV001302664.2), dbSNP rs767971908, ClinGen allele CA6862293.